The following is an entry in ClinVar:

ClinVar aggregate classification (germline): Likely benign (0 of 4 stars; one submission).

Conditions:
KSR2-related disorder. Also called: KSR2-related condition.

Allele frequency attached by ClinVar (database versions not stated): gnomAD 0.00001; ExAC 0.00002; TOPMed 0.00002.
gnomAD v4.1: 26 of 1,611,586 alleles (0.0016%); highest among the groups gnomAD compares: Non-Finnish European, 0.0022%; no homozygotes.

Submission:

PreventionGenetics, part of Exact Sciences
Classification: Likely benign for KSR2-related condition. Last evaluated: 2021-06-17. Review status: no assertion criteria provided. Collection method: clinical testing. Allele origin: germline.
Comment: This variant is classified as likely benign based on ACMG/AMP sequence variant interpretation guidelines (Richards et al. 2015 PMID: 25741868, with internal and published modifications).

NM_173598.6(KSR2):c.2472C>T (p.Ile824=)

Gene: KSR2 (kinase suppressor of ras 2; minus strand). Cytogenetic location: 12q24.22.
Variant type: single nucleotide variant.
Coding change: c.2472C>T on transcript NM_173598.6 (MANE Select); coding-DNA position 2472, C replaced by T.
Protein change: p.Ile824=; no amino-acid change (isoleucine 824 retained).
Molecular consequence: synonymous variant.
Genome position (GRCh38, 1-based): chr12:117,476,574, G>A on the plus strand (C>T on the coding strand, the complement: KSR2 is on the minus strand). VCF-style: chr12-117476574-G-A. GRCh37 (hg19) VCF-style: chr12-117914379-G-A.
Identifiers: ClinVar variation 3053951 (VCV003053951.2), dbSNP rs762091235, ClinGen allele CA6815702.
Genomic context (GRCh38, chr12:117,476,574, plus strand): 5'-TGTGTCGGGGGACAGCTGGCGGATGATCTCTGGTGCCAGGTGGCATAGCCAGCCATTCTG[G>A]ATGCGCAGTTTGTCCTCCCGCCTGGAGAAGCAAAGCACAGGATGAGCTCTGTTTCATAGC-3'
Protein context (NP_775869.4, residues 814-834): QAGRREDKLR[Ile824=]QNGWLCHLAP